The following is an entry in ClinVar:

NM_001035.3(RYR2):c.9129-10T>A

Gene: RYR2 (ryanodine receptor 2; plus strand). Cytogenetic location: 1q43.
Variant type: single nucleotide variant.
Coding change: c.9129-10T>A on transcript NM_001035.3 (MANE Select); 10 bases into the intron before coding-DNA position 9129, T replaced by A.
Molecular consequence: intron variant.
Genome position (GRCh38, 1-based): chr1:237,700,219, T>A. VCF-style: chr1-237700219-T-A. GRCh37 (hg19) VCF-style: chr1-237863519-T-A.
Identifiers: ClinVar variation 229225 (VCV000229225.12), dbSNP rs876657993, ClinGen allele CA10576408.

ClinVar aggregate classification (germline): Conflicting classifications of pathogenicity. Review status: criteria provided, conflicting classifications (1 of 4 stars). 6 submissions from 6 submitters: Uncertain significance (2); Likely benign (4). Last evaluated 2025-07-10.

Conditions:
Catecholaminergic polymorphic ventricular tachycardia (CVPT). Also called: Catecholamine-induced polymorphic ventricular tachycardia. Identifiers: Orphanet 3286, MedGen C5574922, MONDO:0017990.
Cardiomyopathy (CMYO). Also called: Cardiomyopathies. Identifiers: Orphanet 167848, MedGen C0878544, MONDO:0004994, HP:0001638. Inheritance: Various modes of inheritance.
Catecholaminergic polymorphic ventricular tachycardia 1. Also called: VENTRICULAR TACHYCARDIA, STRESS-INDUCED POLYMORPHIC 1; VENTRICULAR TACHYCARDIA, CATECHOLAMINERGIC POLYMORPHIC, 1, WITH OR WITHOUT ATRIAL DYSFUNCTION AND/OR DILATED CARDIOMYOPATHY; RYR2-Related Catecholaminergic Polymorphic Ventricular Tachycardia. Identifiers: Orphanet 3286, MedGen C1631597, MONDO:0011484, OMIM 604772.

Allele frequency attached by ClinVar (database versions not stated): gnomAD exomes below 0.00001.
gnomAD v4.1: 4 of 1,483,860 alleles (0.00027%); highest among the groups gnomAD compares: Non-Finnish European, 0.00037%; no homozygotes.

Submissions (6):

Color Diagnostics, LLC DBA Color Health
Classification: Likely benign for Cardiomyopathy. Last evaluated: 2025-07-10. Review status: criteria provided, single submitter. Criteria: ACMG Guidelines, 2015. Collection method: clinical testing. Allele origin: germline.

Molecular Diagnostic Laboratory for Inherited Cardiovascular Disease, Montreal Heart Institute
Classification: Likely benign. Last evaluated: 2025-04-09. Review status: criteria provided, single submitter. Criteria: ACMG Guidelines, 2015. Collection method: clinical testing. Allele origin: germline. Affected: no.

Labcorp Genetics (formerly Invitae), Labcorp
Classification: Likely benign for Catecholaminergic polymorphic ventricular tachycardia 1. Last evaluated: 2025-03-05. Review status: criteria provided, single submitter. Criteria: Invitae Variant Classification Sherloc (09022015). Collection method: clinical testing. Allele origin: germline.

All of Us Research Program, National Institutes of Health
Classification: Uncertain significance for Catecholaminergic polymorphic ventricular tachycardia. Last evaluated: 2023-06-08. Review status: criteria provided, single submitter. Criteria: ACMG Guidelines, 2015. Collection method: clinical testing. Allele origin: germline. Inheritance: Autosomal dominant inheritance. Observed: 1 variant allele, 1 heterozygote.
Comment: This variant causes a T to A nucleotide substitution at the -10 position of intron 64 of the RYR2 gene. To our knowledge, functional studies have not been reported for this variant. This variant has not been reported in individuals affected with RYR2-related disorders in the literature. This variant has not been identified in the general population by the Genome Aggregation Database (gnomAD). The available evidence is insufficient to determine the role of this variant in disease conclusively. Therefore, this variant is classified as a Variant of Uncertain Significance.

This study involves interpretation of variants in research participants for the purpose of population health screening. Participant phenotype was not available at the time of variant classification. Additional details can be found in publication PMID: 35346344, PMCID: PMC8962531

Blueprint Genetics
Classification: Likely benign. Last evaluated: 2022-04-21. Review status: criteria provided, single submitter. Criteria: ACMG Guidelines, 2015. Collection method: clinical testing. Allele origin: germline.

Laboratory for Molecular Medicine, Mass General Brigham Personalized Medicine
Classification: Uncertain significance. Last evaluated: 2016-01-26. Review status: criteria provided, single submitter. Criteria: LMM Criteria. Collection method: clinical testing. Allele origin: germline. Observed: 1 variant allele.
Comment: The c.9129-10T>A variant in RYR2 has not been previously reported in individuals with cardiomyopathy. Data from large population studies is insufficient to ass ess the frequency of this variant. This variant is located in the 3' splice regi on. Computational tools do not suggest an impact to splicing. However, this info rmation is not predictive enough to rule out pathogenicity. In summary, the clin ical significance of the c.9129-10T>A variant is uncertain.